The following is an entry in ClinVar:

NM_213720.3(CHCHD10):c.100C>T (p.Pro34Ser)

Gene: CHCHD10 (coiled-coil-helix-coiled-coil-helix domain containing 10; minus strand). Cytogenetic location: 22q11.23.
Variant type: single nucleotide variant.
Coding change: c.100C>T on transcript NM_213720.3 (MANE Select); coding-DNA position 100, C replaced by T.
Protein change: p.Pro34Ser; replaces proline 34 with serine.
Molecular consequence: missense variant. On other transcripts: non-coding transcript variant (1).
Genome position (GRCh38, 1-based): chr22:23,767,535, G>A on the plus strand (C>T on the coding strand, the complement: CHCHD10 is on the minus strand). VCF-style: chr22-23767535-G-A. GRCh37 (hg19) VCF-style: chr22-24109722-G-A.
Other names: c.100C>T, p.Pro34Ser (NM_001301339.2); short protein forms P34S.
Identifiers: ClinVar variation 204291 (VCV000204291.82), dbSNP rs551521196, ClinGen allele CA347295.

ClinVar aggregate classification (germline): Benign/Likely benign. Review status: criteria provided, multiple submitters, no conflicts (2 of 4 stars). 12 submissions from 12 submitters: Benign (2); Likely benign (6). 4 of the submissions do not count toward it. Last evaluated 2026-08-01.

Conditions:
Inborn genetic diseases. Identifiers: MedGen C0950123, MeSH D030342.
CHCHD10-related disorder. Also called: CHCHD10-Related Disorders; CHCHD10-related condition. Identifiers: MedGen CN381526.
Autosomal dominant mitochondrial myopathy with exercise intolerance (IMMD). Also called: Myopathy, isolated mitochondrial, autosomal dominant. Identifiers: Orphanet 457050, MedGen C4015513, MONDO:0014532, OMIM 616209.
Lower motor neuron syndrome with late-adult onset (SMAJ). Also called: Spinal muscular atrophy, Jokela type; Late-Onset Spinal Motor Neuronopathy (SMAJ). Identifiers: Orphanet 276435, MedGen C3554398, MONDO:0014025, OMIM 615048.
Frontotemporal dementia and/or amyotrophic lateral sclerosis 2. Also called: FTDALS2. Identifiers: Orphanet 275872, MedGen C4014648, MONDO:0014395, OMIM 615911.

Allele frequency attached by ClinVar (database versions not stated): gnomAD 0.00237 and 0.00233; 1000 Genomes Project 0.00040; gnomAD exomes 0.00433 and 0.00277; ExAC 0.00097; TOPMed 0.00235; 1000 Genomes Project 30x 0.00125.
gnomAD v4.1: 5,891 of 1,451,942 alleles (0.41%); highest among the groups gnomAD compares: Non-Finnish European, 0.5%; 18 homozygotes.

Submissions (12):

CeGaT Center for Human Genetics Tuebingen
Classification: Likely benign. Last evaluated: 2026-08-01. Review status: criteria provided, single submitter. Criteria: CeGaT Center For Human Genetics Tuebingen Variant Classification Criteria Version 2. Collection method: clinical testing. Allele origin: germline. Affected: yes. Observed: 13 variant alleles.
Comment: CHCHD10: BS2

Labcorp Genetics (formerly Invitae), Labcorp
Classification: Likely benign for Lower motor neuron syndrome with late-adult onset; Frontotemporal dementia and/or amyotrophic lateral sclerosis 2; Autosomal dominant mitochondrial myopathy with exercise intolerance. Last evaluated: 2026-02-03. Review status: criteria provided, single submitter. Criteria: Invitae Variant Classification Sherloc (09022015). Collection method: clinical testing. Allele origin: germline.

Blueprint Genetics
Classification: Likely benign. Last evaluated: 2024-11-25. Review status: criteria provided, single submitter. Criteria: ACMG Guidelines, 2015. Collection method: clinical testing. Allele origin: germline.

Molecular Genetics, Royal Melbourne Hospital
Classification: Likely benign for Autosomal dominant mitochondrial myopathy with exercise intolerance. Last evaluated: 2023-05-04. Review status: criteria provided, single submitter. Criteria: ACMG Guidelines, 2015. Collection method: clinical testing. Allele origin: germline. Affected: yes.
Comment: European Non-Finnish population allele frequency is 0.3428% (rs551521196, 259/67998 alleles, 0 homozygotes in gnomAD v2.1). Based on the classification scheme RMH Modified ACMG/AMP Guidelines v1.5.1, this variant is classified as LIKELY BENIGN. Following criteria are met: BS1

Mayo Clinic Laboratories, Mayo Clinic
Classification: Benign. Last evaluated: 2023-02-10. Review status: criteria provided, single submitter. Criteria: ACMG Guidelines, 2015. Collection method: clinical testing. Allele origin: germline. Observed: 25 variant alleles.
Comment: BS2, BS3

Ambry Genetics
Classification: Likely benign for Inborn genetic diseases. Last evaluated: 2021-10-22. Review status: criteria provided, single submitter. Criteria: Ambry Variant Classification Scheme 2023. Collection method: clinical testing. Allele origin: germline.

GeneDx
Classification: Likely benign. Last evaluated: 2021-04-01. Review status: criteria provided, single submitter. Criteria: GeneDx Variant Classification Process June 2021. Collection method: clinical testing. Allele origin: germline. Affected: yes.
Comment: This variant is associated with the following publications: (PMID: 25155093, 27056076, 25576308, 26344877, 26152333, 26362909, 26362910, 25953780, 25726362, 25833818, 26666268, 27810918, 28069311, 29315381, 28108040, 27095681, 30014597, 27578015, 27077676, 30293881, 29525180, 29789341, 32651855)

Mendelics
Classification: Benign for Lower motor neuron syndrome with late-adult onset. Last evaluated: 2019-05-28. Review status: criteria provided, single submitter. Criteria: Mendelics Assertion Criteria 2017. Collection method: clinical testing. Allele origin: unknown.

PreventionGenetics, part of Exact Sciences
Classification: Likely benign for CHCHD10-related condition. Last evaluated: 2019-08-07. Review status: no assertion criteria provided. Collection method: clinical testing. Allele origin: germline. Not counted in ClinVar's aggregate classification.
Comment: This variant is classified as likely benign based on ACMG/AMP sequence variant interpretation guidelines (Richards et al. 2015 PMID: 25741868, with internal and published modifications).

GeneReviews
No classification provided. Condition: Frontotemporal dementia and/or amyotrophic lateral sclerosis 2. Review status: no classification provided. Collection method: literature only. Allele origin: germline. Affected: yes. Not counted in ClinVar's aggregate classification.

Genome Diagnostics Laboratory, Amsterdam University Medical Center
Classification: Likely benign. Review status: no assertion criteria provided. Collection method: clinical testing. Allele origin: germline. Affected: yes. Study: VKGL Data-share Consensus. Not counted in ClinVar's aggregate classification.

Genome Diagnostics Laboratory, University Medical Center Utrecht
Classification: Likely benign. Review status: no assertion criteria provided. Collection method: clinical testing. Allele origin: germline. Affected: yes. Study: VKGL Data-share Consensus. Not counted in ClinVar's aggregate classification.

Literature cited by the submitters: PubMed 25576308 (cited by Mayo Clinic Laboratories, Mayo Clinic and GeneReviews); PubMed 25726362 (cited by Mayo Clinic Laboratories, Mayo Clinic); PubMed 26362910 (cited by Mayo Clinic Laboratories, Mayo Clinic); PubMed 26666268 (cited by Mayo Clinic Laboratories, Mayo Clinic); PubMed 29315381 (cited by Mayo Clinic Laboratories, Mayo Clinic); PubMed 32651855 (cited by Mayo Clinic Laboratories, Mayo Clinic); PubMed 25155093 (cited by GeneReviews); NCBI Bookshelf NBK304142 (cited by GeneReviews).